The following is an entry in ClinVar:

NM_001374385.1(ATP8B1):c.698+6T>G

Gene: ATP8B1 (ATPase phospholipid transporting 8B1; minus strand). Cytogenetic location: 18q21.31.
Variant type: single nucleotide variant.
Coding change: c.698+6T>G on transcript NM_001374385.1 (MANE Select); 6 bases into the intron after coding-DNA position 698, T replaced by G.
Molecular consequence: intron variant.
Genome position (GRCh38, 1-based): chr18:57,697,612, A>C on the plus strand (T>G on the coding strand, the complement: ATP8B1 is on the minus strand). VCF-style: chr18-57697612-A-C. GRCh37 (hg19) VCF-style: chr18-55364844-A-C.
Other names: c.698+6T>G (NM_005603.6); c.548+6T>G (NM_001374386.1).
Identifiers: ClinVar variation 382385 (VCV000382385.2), dbSNP rs763026100, ClinGen allele CA8974754.

ClinVar aggregate classification (germline): Likely benign. Review status: criteria provided, multiple submitters, no conflicts (2 of 4 stars). 2 submissions from 2 submitters: Likely benign (2). Last evaluated 2016-02-08.

Allele frequency attached by ClinVar (database versions not stated): gnomAD exomes below 0.00001; ExAC 0.00001.
gnomAD v4.1: 42 of 1,613,770 alleles (0.0026%); highest among the groups gnomAD compares: Non-Finnish European, 0.0036%; no homozygotes.

Submissions (2):

GeneDx
Classification: Likely benign. Last evaluated: 2016-02-08. Review status: criteria provided, single submitter. Criteria: GeneDx Variant Classification (06012015). Collection method: clinical testing. Allele origin: germline. Affected: yes.
Comment: This variant is considered likely benign or benign based on one or more of the following criteria: it is a conservative change, it occurs at a poorly conserved position in the protein, it is predicted to be benign by multiple in silico algorithms, and/or has population frequency not consistent with disease.

Breakthrough Genomics
Classification: Likely benign. Review status: criteria provided, single submitter. Criteria: ACMG Guidelines, 2015. Collection method: not provided. Allele origin: germline. Inheritance: Autosomal recessive inheritance. Affected: yes.